The following is an entry in ClinVar:

NM_032242.4(PLXNA1):c.3570G>A (p.Val1190=)

Gene: PLXNA1 (plexin A1; plus strand). Cytogenetic location: 3q21.3.
Variant type: single nucleotide variant.
Coding change: c.3570G>A on transcript NM_032242.4 (MANE Select); coding-DNA position 3570, G replaced by A.
Protein change: p.Val1190=; no amino-acid change (valine 1190 retained).
Molecular consequence: synonymous variant.
Genome position (GRCh38, 1-based): chr3:127,017,802, G>A. VCF-style: chr3-127017802-G-A. GRCh37 (hg19) VCF-style: chr3-126736645-G-A.
Identifiers: ClinVar variation 3357482 (VCV003357482.1).

ClinVar aggregate classification (germline): Likely benign (0 of 4 stars; one submission).

Conditions:
PLXNA1-related disorder. Also called: PLXNA1-related condition.

gnomAD v4.1: 6 of 1,613,170 alleles (0.00037%); highest among the groups gnomAD compares: Non-Finnish European, 0.00051%; no homozygotes.

Submission:

PreventionGenetics, part of Exact Sciences
Classification: Likely benign for PLXNA1-related condition. Last evaluated: 2023-05-23. Review status: no assertion criteria provided. Collection method: clinical testing. Allele origin: germline.
Comment: This variant is classified as likely benign based on ACMG/AMP sequence variant interpretation guidelines (Richards et al. 2015 PMID: 25741868, with internal and published modifications).